The following is an entry in ClinVar:

NM_025103.4(IFT74):c.934-9C>G

Gene: IFT74 (intraflagellar transport 74; plus strand). Cytogenetic location: 9p21.2.
Variant type: single nucleotide variant.
Coding change: c.934-9C>G on transcript NM_025103.4 (MANE Select); 9 bases into the intron before coding-DNA position 934, C replaced by G.
Molecular consequence: intron variant.
Genome position (GRCh38, 1-based): chr9:27,018,638, C>G. VCF-style: chr9-27018638-C-G. GRCh37 (hg19) VCF-style: chr9-27018636-C-G.
Other names: c.934-9C>G (NM_001099223.3, NM_001099222.3, NM_001349928.2 and 1 more transcripts).
Identifiers: ClinVar variation 3351394 (VCV003351394.2).

ClinVar aggregate classification (germline): Likely benign. Review status: criteria provided, single submitter (1 of 4 stars). 2 submissions from 2 submitters: Likely benign (1). 1 of the submissions does not count toward it. Last evaluated 2025-11-03.

Conditions:
IFT74-related disorder. Also called: IFT74-related condition; IFT74-Related Disorders.

gnomAD v4.1: 1 of 1,464,030 alleles (0.000068%); highest among the groups gnomAD compares: Non-Finnish European, 0.000094%; no homozygotes.

Submissions (2):

Labcorp Genetics (formerly Invitae), Labcorp
Classification: Likely benign. Last evaluated: 2025-11-03. Review status: criteria provided, single submitter. Criteria: Invitae Variant Classification Sherloc (09022015). Collection method: clinical testing. Allele origin: germline.

PreventionGenetics, part of Exact Sciences
Classification: Likely benign for IFT74-related condition. Last evaluated: 2020-07-20. Review status: no assertion criteria provided. Collection method: clinical testing. Allele origin: germline. Not counted in ClinVar's aggregate classification.
Comment: This variant is classified as likely benign based on ACMG/AMP sequence variant interpretation guidelines (Richards et al. 2015 PMID: 25741868, with internal and published modifications).